The following is an entry in ClinVar:

NM_018419.3(SOX18):c.857C>T (p.Thr286Ile)

Gene: SOX18 (SRY-box transcription factor 18; minus strand). Cytogenetic location: 20q13.33.
Variant type: single nucleotide variant.
Coding change: c.857C>T on transcript NM_018419.3 (MANE Select); coding-DNA position 857, C replaced by T.
Protein change: p.Thr286Ile; replaces threonine 286 with isoleucine.
Molecular consequence: missense variant.
Genome position (GRCh38, 1-based): chr20:64,048,464, G>A on the plus strand (C>T on the coding strand, the complement: SOX18 is on the minus strand). VCF-style: chr20-64048464-G-A. GRCh37 (hg19) VCF-style: chr20-62679817-G-A.
Other names: short protein forms T286I.
Identifiers: ClinVar variation 2964043 (VCV002964043.3), dbSNP rs766169779, ClinGen allele CA9972845.

ClinVar aggregate classification (germline): Uncertain significance (1 of 4 stars; one submission).

Allele frequency attached by ClinVar (database versions not stated): gnomAD exomes below 0.00001; gnomAD 0.00001; ExAC 0.00490.

Submission:

Labcorp Genetics (formerly Invitae), Labcorp
Classification: Uncertain significance. Last evaluated: 2023-06-15. Review status: criteria provided, single submitter. Criteria: Invitae Variant Classification Sherloc (09022015). Collection method: clinical testing. Allele origin: germline.
Comment: This variant has not been reported in the literature in individuals affected with SOX18-related conditions. In summary, the available evidence is currently insufficient to determine the role of this variant in disease. Therefore, it has been classified as a Variant of Uncertain Significance. Advanced modeling of protein sequence and biophysical properties (such as structural, functional, and spatial information, amino acid conservation, physicochemical variation, residue mobility, and thermodynamic stability) performed at Invitae indicates that this missense variant is not expected to disrupt SOX18 protein function. This variant is present in population databases (rs766169779, gnomAD 0.4%). This sequence change replaces threonine, which is neutral and polar, with isoleucine, which is neutral and non-polar, at codon 286 of the SOX18 protein (p.Thr286Ile).